The following is an entry in ClinVar:

ClinVar aggregate classification (germline): Likely pathogenic (1 of 4 stars; one submission).

Conditions:
Hereditary spastic paraplegia 15 (SPG15). Also called: SPASTIC PARAPLEGIA 15, AUTOSOMAL RECESSIVE; KJELLIN SYNDROME; SPASTIC PARAPLEGIA AND RETINAL DEGENERATION. Identifiers: Orphanet 100996, MedGen C1849128, MONDO:0010044, OMIM 270700.

Submission:

Myriad Genetics, Inc.
Classification: Likely pathogenic for Hereditary spastic paraplegia 15. Last evaluated: 2022-01-11. Review status: criteria provided, single submitter. Criteria: Myriad Women's Health Autosomal Recessive and X-Linked Classification Criteria (2021). Collection method: clinical testing. Allele origin: unknown.
Comment: NM_015346.3(ZFYVE26):c.2025_2026delCA(I675Mfs*6) is expected to be pathogenic in the context of spastic paraplegia type 15. This variant is predicted to lead to an abnormal or absent protein product due to the creation of a premature termination codon in ZFYVE26, a gene where loss-of-function variants are known to be pathogenic. Please note: this variant was assessed in the context of healthy population screening.

NM_015346.4(ZFYVE26):c.2025_2026del (p.Ile675fs)

Gene: ZFYVE26 (zinc finger FYVE-type containing 26; minus strand). Cytogenetic location: 14q24.1.
Variant type: Deletion.
Coding change: c.2025_2026del on transcript NM_015346.4 (MANE Select); coding-DNA positions 2025 to 2026, 2 bases deleted (CA; older notation c.2025_2026delCA).
Protein change: p.Ile675fs; shifts the reading frame from isoleucine 675.
Molecular consequence: frameshift variant.
Genome position (GRCh38, 1-based): chr14:67,798,236-67,798,237, TG deleted on the plus strand (CA on the coding strand, the reverse complement: ZFYVE26 is on the minus strand). VCF-style (leftmost placement, unchanged base first): chr14-67798235-CTG-C. GRCh37 (hg19) VCF-style: chr14-68264952-CTG-C.
Other names: short protein forms I675fs.
Identifiers: ClinVar variation 1723930 (VCV001723930.2), dbSNP rs2502856708, ClinGen allele CA2580088611.